The following is an entry in ClinVar:

ClinVar aggregate classification (germline): Benign/Likely benign. Review status: criteria provided, multiple submitters, no conflicts (2 of 4 stars). 3 submissions from 3 submitters: Benign (1); Likely benign (2). Last evaluated 2025-10-05.

Conditions:
Hereditary nonpolyposis colorectal neoplasms. Identifiers: MedGen C0009405, MeSH D003123.
Lynch syndrome 4 (LYNCH4). Also called: Colorectal cancer, hereditary nonpolyposis, type 4; Hereditary non-polyposis colorectal cancer, type 4. Identifiers: Orphanet 144, MedGen C1838333, MONDO:0013699, OMIM 614337. Disease mechanism: loss of function.
Hereditary cancer-predisposing syndrome. Also called: Neoplastic Syndromes, Hereditary; Tumor predisposition; Hereditary Cancer Syndrome; Hereditary neoplastic syndrome. Identifiers: Orphanet 140162, MedGen C0027672, MeSH D009386, MONDO:0015356.

Submissions (3):

Labcorp Genetics (formerly Invitae), Labcorp
Classification: Likely benign for Hereditary nonpolyposis colorectal neoplasms. Last evaluated: 2025-10-05. Review status: criteria provided, single submitter. Criteria: Invitae Variant Classification Sherloc (09022015). Collection method: clinical testing. Allele origin: germline.

Myriad Genetics, Inc.
Classification: Benign for Lynch syndrome 4. Last evaluated: 2025-01-24. Review status: criteria provided, single submitter. Criteria: Myriad Autosomal Dominant, Autosomal Recessive and X-Linked Classification Criteria (2023). Collection method: clinical testing. Allele origin: unknown.
Comment: This variant is considered benign. This variant is a silent/synonymous amino acid change and it is not expected to impact splicing.

Ambry Genetics
Classification: Likely benign for Hereditary cancer-predisposing syndrome. Last evaluated: 2015-08-19. Review status: criteria provided, single submitter. Criteria: Ambry Variant Classification Scheme 2023. Collection method: clinical testing. Allele origin: germline.

NM_000535.7(PMS2):c.270T>G (p.Ser90=)

Gene: PMS2 (PMS1 homolog 2, mismatch repair system component; minus strand). Cytogenetic location: 7p22.1.
Variant type: single nucleotide variant.
Coding change: c.270T>G on transcript NM_000535.7 (MANE Select); coding-DNA position 270, T replaced by G.
Protein change: p.Ser90=; no amino-acid change (serine 90 retained).
Molecular consequence: synonymous variant. On other transcripts: 5 prime UTR variant (9), non-coding transcript variant (1), intron variant (2).
Genome position (GRCh38, 1-based): chr7:6,003,773, A>C on the plus strand (T>G on the coding strand, the complement: PMS2 is on the minus strand). VCF-style: chr7-6003773-A-C. GRCh37 (hg19) VCF-style: chr7-6043404-A-C.
Other names: c.-136T>G (NM_001322003.2, NM_001322004.2, NM_001322005.2 and 3 more transcripts); c.270T>G, p.Ser90= (NM_001322006.2, NM_001322014.2); c.-615T>G (NM_001322011.2, NM_001322012.2); c.-215T>G (NM_001322015.2); c.35+199T>G (NM_001322008.2, NM_001322007.2).
Identifiers: ClinVar variation 233446 (VCV000233446.17), dbSNP rs876660414, ClinGen allele CA10578722.